The following is an entry in ClinVar:

ClinVar aggregate classification (germline): Likely benign (0 of 4 stars; one submission).

Conditions:
TRPC5-related disorder. Also called: TRPC5-related condition.

Allele frequency attached by ClinVar (database versions not stated): ExAC 0.00003; TOPMed 0.00009; gnomAD 0.00012; gnomAD exomes 0.00016; ESP Exome Variant Server 0.00019; 1000 Genomes Project 30x 0.00021; 1000 Genomes Project 0.00026.
gnomAD v4.1: 207 of 1,207,082 alleles (0.017%); highest among the groups gnomAD compares: Non-Finnish European, 0.021%; no homozygotes.

Submission:

PreventionGenetics, part of Exact Sciences
Classification: Likely benign for TRPC5-related condition. Last evaluated: 2023-05-16. Review status: no assertion criteria provided. Collection method: clinical testing. Allele origin: germline.
Comment: This variant is classified as likely benign based on ACMG/AMP sequence variant interpretation guidelines (Richards et al. 2015 PMID: 25741868, with internal and published modifications).

NM_012471.3(TRPC5):c.1290C>T (p.Tyr430=)

Gene: TRPC5 (transient receptor potential cation channel subfamily C member 5; minus strand). Cytogenetic location: Xq23.
Variant type: single nucleotide variant.
Coding change: c.1290C>T on transcript NM_012471.3 (MANE Select); coding-DNA position 1290, C replaced by T.
Protein change: p.Tyr430=; no amino-acid change (tyrosine 430 retained).
Molecular consequence: synonymous variant.
Genome position (GRCh38, 1-based): chrX:111,852,385, G>A on the plus strand (C>T on the coding strand, the complement: TRPC5 is on the minus strand). VCF-style: chrX-111852385-G-A. GRCh37 (hg19) VCF-style: chrX-111095613-G-A.
Identifiers: ClinVar variation 3035930 (VCV003035930.2), dbSNP rs201739339, ClinGen allele CA10494322.